The following is an entry in ClinVar:

NM_032447.5(FBN3):c.1237C>G (p.Arg413Gly)

Gene: FBN3 (fibrillin 3; minus strand). Cytogenetic location: 19p13.2.
Variant type: single nucleotide variant.
Coding change: c.1237C>G on transcript NM_032447.5 (MANE Select); coding-DNA position 1237, C replaced by G.
Protein change: p.Arg413Gly; replaces arginine 413 with glycine.
Molecular consequence: missense variant.
Genome position (GRCh38, 1-based): chr19:8,136,496, G>C on the plus strand (C>G on the coding strand, the complement: FBN3 is on the minus strand). VCF-style: chr19-8136496-G-C. GRCh37 (hg19) VCF-style: chr19-8201380-G-C.
Other names: c.1237C>G, p.Arg413Gly (NM_001321431.2); short protein forms R413G.
Identifiers: ClinVar variation 4750182 (VCV004750182.1).

ClinVar aggregate classification (germline): Uncertain significance (1 of 4 stars; one submission).

gnomAD v4.1: 43 of 1,614,020 alleles (0.0027%); highest among the groups gnomAD compares: Non-Finnish European, 0.0036%; no homozygotes.

Submission:

Labcorp Genetics (formerly Invitae), Labcorp
Classification: Uncertain significance. Last evaluated: 2025-03-05. Review status: criteria provided, single submitter. Criteria: Invitae Variant Classification Sherloc (09022015). Collection method: clinical testing. Allele origin: germline.
Comment: This sequence change replaces arginine, which is basic and polar, with glycine, which is neutral and non-polar, at codon 413 of the FBN3 protein (p.Arg413Gly). This variant is present in population databases (rs376132417, gnomAD 0.002%). This variant has not been reported in the literature in individuals affected with FBN3-related conditions. Invitae Evidence Modeling of protein sequence and biophysical properties (such as structural, functional, and spatial information, amino acid conservation, physicochemical variation, residue mobility, and thermodynamic stability) indicates that this missense variant is not expected to disrupt FBN3 protein function with a negative predictive value of 80%. In summary, the available evidence is currently insufficient to determine the role of this variant in disease. Therefore, it has been classified as a Variant of Uncertain Significance.